The following is an entry in ClinVar:

ClinVar aggregate classification (germline): Uncertain significance (1 of 4 stars; one submission).

Allele frequency attached by ClinVar (database versions not stated): TOPMed below 0.00001.
gnomAD v4.1: 3 of 1,530,158 alleles (0.0002%); highest among the groups gnomAD compares: Admixed American, 0.0052%; no homozygotes.

Submission:

Women's Health and Genetics/Laboratory Corporation of America, LabCorp
Classification: Uncertain significance. Last evaluated: 2022-11-25. Review status: criteria provided, single submitter. Criteria: LabCorp Variant Classification Summary - May 2015. Collection method: clinical testing. Allele origin: germline.
Comment: Variant summary: CFHR3 c.106G>T (p.Glu36X) results in a premature termination codon, predicted to cause a truncation of the encoded protein or absence of the protein due to nonsense mediated decay. Other truncations within this gene have been classified as variants of uncertain significance internally and in ClinVar. The variant allele was found at a frequency of 4.2e-06 in 238176 control chromosomes (gnomAD). The available data on variant occurrences in the general population are insufficient to allow any conclusion about variant significance. To our knowledge, no occurrence of c.106G>T in individuals affected with Genetic Atypical Hemolytic Uremic Syndrome and no experimental evidence demonstrating its impact on protein function have been reported. No clinical diagnostic laboratories have submitted clinical-significance assessments for this variant to ClinVar after 2014. Based on the evidence outlined above, the variant was classified as uncertain significance.

NM_021023.6(CFHR3):c.106G>T (p.Glu36Ter)

Gene: CFHR3 (complement factor H related 3; plus strand). Cytogenetic location: 1q31.3.
Variant type: single nucleotide variant.
Coding change: c.106G>T on transcript NM_021023.6 (MANE Select); coding-DNA position 106, G replaced by T.
Protein change: p.Glu36Ter; replaces glutamic acid 36 with a stop codon.
Molecular consequence: nonsense.
Genome position (GRCh38, 1-based): chr1:196,779,209, G>T. VCF-style: chr1-196779209-G-T. GRCh37 (hg19) VCF-style: chr1-196748339-G-T.
Other names: c.106G>T, p.Glu36Ter (NM_001166624.2); short protein forms E36*.
Identifiers: ClinVar variation 1804819 (VCV001804819.1), dbSNP rs748096320, ClinGen allele CA343998364.